The following is an entry in ClinVar:

ClinVar aggregate classification (germline): Uncertain significance (1 of 4 stars; one submission).

Conditions:
T-B+ severe combined immunodeficiency due to JAK3 deficiency. Also called: SCID, autosomal recessive, T-negative/B-positive type; SCID, T CELL-NEGATIVE, B CELL-POSITIVE, NK CELL-NEGATIVE. Identifiers: Orphanet 35078, MedGen C1833275, MONDO:0010938, OMIM 600802.

Allele frequency attached by ClinVar (database versions not stated): ExAC 0.00002; gnomAD exomes 0.00002.
gnomAD v4.1: 25 of 1,612,684 alleles (0.0016%); highest among the groups gnomAD compares: Non-Finnish European, 0.0019%; no homozygotes.

Submission:

Labcorp Genetics (formerly Invitae), Labcorp
Classification: Uncertain significance for T-B+ severe combined immunodeficiency due to JAK3 deficiency. Last evaluated: 2022-05-18. Review status: criteria provided, single submitter. Criteria: Invitae Variant Classification Sherloc (09022015). Collection method: clinical testing. Allele origin: germline.
Comment: This sequence change affects codon 988 of the JAK3 mRNA. It is a 'silent' change, meaning that it does not change the encoded amino acid sequence of the JAK3 protein. This variant is present in population databases (rs758185013, gnomAD 0.006%). This variant has not been reported in the literature in individuals affected with JAK3-related conditions. Algorithms developed to predict the effect of sequence changes on RNA splicing suggest that this variant may disrupt the consensus splice site. In summary, the available evidence is currently insufficient to determine the role of this variant in disease. Therefore, it has been classified as a Variant of Uncertain Significance.

NM_000215.4(JAK3):c.2964G>A (p.Gln988=)

Gene: JAK3 (Janus kinase 3; minus strand). Cytogenetic location: 19p13.11.
Variant type: single nucleotide variant.
Coding change: c.2964G>A on transcript NM_000215.4 (MANE Select); coding-DNA position 2964, G replaced by A.
Protein change: p.Gln988=; no amino-acid change (glutamine 988 retained).
Molecular consequence: synonymous variant.
Genome position (GRCh38, 1-based): chr19:17,831,242, C>T on the plus strand (G>A on the coding strand, the complement: JAK3 is on the minus strand). VCF-style: chr19-17831242-C-T. GRCh37 (hg19) VCF-style: chr19-17942051-C-T.
Identifiers: ClinVar variation 1967481 (VCV001967481.2), dbSNP rs758185013, ClinGen allele CA9301476.
Genomic context (GRCh38, chr19:17,831,242, plus strand): 5'-CAGAGCCGTGGGGAATAGGGGCGGAGCCTAGGCGCGGGTTCCCCACCAGAAAATGGGGCT[C>T]TGGCCTGGCTCGCGGACCACGTAGTAGTCTTTGTCAAGCGGCAGCAGCTTAGCTAGGCCG-3'
Protein context (NP_000206.2, residues 978-998): KDYYVVREPG[Gln988=]SPIFWYAPES